The following is an entry in ClinVar:

ClinVar aggregate classification (germline): Uncertain significance. Review status: criteria provided, multiple submitters, no conflicts (2 of 4 stars). 2 submissions from 2 submitters: Uncertain significance (2). Last evaluated 2025-06-26.

Allele frequency attached by ClinVar (database versions not stated): gnomAD 0.00001; gnomAD exomes 0.00004 and 0.00001; TOPMed 0.00002; ESP Exome Variant Server 0.00023; ExAC 0.00004.
gnomAD v4.1: 9 of 1,613,946 alleles (0.00056%); highest among the groups gnomAD compares: Non-Finnish European, 0.00076%; no homozygotes.

Submissions (2):

GeneDx
Classification: Uncertain significance. Last evaluated: 2025-06-26. Review status: criteria provided, single submitter. Criteria: GeneDx Variant Classification Process June 2021. Collection method: clinical testing. Allele origin: germline.
Comment: Not observed at significant frequency in large population cohorts (gnomAD); In silico analysis suggests that this missense variant does not alter protein structure/function; Has not been previously published as pathogenic or benign to our knowledge

Labcorp Genetics (formerly Invitae), Labcorp
Classification: Uncertain significance. Last evaluated: 2021-08-27. Review status: criteria provided, single submitter. Criteria: Invitae Variant Classification Sherloc (09022015). Collection method: clinical testing. Allele origin: germline.

NM_001365999.1(SZT2):c.3517C>G (p.Pro1173Ala)

Gene: SZT2 (SZT2 subunit of KICSTOR complex; plus strand). Cytogenetic location: 1p34.2.
Variant type: single nucleotide variant.
Coding change: c.3517C>G on transcript NM_001365999.1 (MANE Select); coding-DNA position 3517, C replaced by G.
Protein change: p.Pro1173Ala; replaces proline 1173 with alanine.
Molecular consequence: missense variant.
Genome position (GRCh38, 1-based): chr1:43,427,364, C>G. VCF-style: chr1-43427364-C-G. GRCh37 (hg19) VCF-style: chr1-43893035-C-G.
Other names: c.3346C>G, p.Pro1116Ala (NM_015284.4); short protein forms P1116A, P1173A.
Identifiers: ClinVar variation 934043 (VCV000934043.7), dbSNP rs141332214, ClinGen allele CA809012.